The following is an entry in ClinVar:

NM_018124.4(RFWD3):c.282C>G (p.Ile94Met)

Gene: RFWD3 (ring finger and WD repeat domain 3; minus strand). Cytogenetic location: 16q23.1.
Variant type: single nucleotide variant.
Coding change: c.282C>G on transcript NM_018124.4 (MANE Select); coding-DNA position 282, C replaced by G.
Protein change: p.Ile94Met; replaces isoleucine 94 with methionine.
Molecular consequence: missense variant. On other transcripts: 5 prime UTR variant (4), intron variant (1).
Genome position (GRCh38, 1-based): chr16:74,661,168, G>C on the plus strand (C>G on the coding strand, the complement: RFWD3 is on the minus strand). VCF-style: chr16-74661168-G-C. GRCh37 (hg19) VCF-style: chr16-74695066-G-C.
Other names: c.282C>G, p.Ile94Met (NM_001370534.1, NM_001370535.1, NM_001370536.1); c.-727C>G (NM_001370537.1); c.-350C>G (NM_001370539.1); c.-604C>G (NM_001370542.1); c.-482C>G (NM_001370543.1); c.-317+3456C>G (NM_001370540.1); short protein forms I94M.
Identifiers: ClinVar variation 3772607 (VCV003772607.13).

ClinVar aggregate classification (germline): Uncertain significance (1 of 4 stars; one submission).

gnomAD v4.1: 1 of 1,614,188 alleles (0.000062%); highest among the groups gnomAD compares: Non-Finnish European, 0.000085%; no homozygotes.

Submission:

CeGaT Center for Human Genetics Tuebingen
Classification: Uncertain significance. Last evaluated: 2025-02-01. Review status: criteria provided, single submitter. Criteria: CeGaT Center For Human Genetics Tuebingen Variant Classification Criteria Version 2. Collection method: clinical testing. Allele origin: germline. Affected: yes. Observed: 1 variant allele.
Comment: RFWD3: PM2, BP4